The following is an entry in ClinVar:

NM_001035.3(RYR2):c.14751T>A (p.Asn4917Lys)

Gene: RYR2 (ryanodine receptor 2; plus strand). Cytogenetic location: 1q43.
Variant type: single nucleotide variant.
Coding change: c.14751T>A on transcript NM_001035.3 (MANE Select); coding-DNA position 14751, T replaced by A.
Protein change: p.Asn4917Lys; replaces asparagine 4917 with lysine.
Molecular consequence: missense variant.
Genome position (GRCh38, 1-based): chr1:237,830,625, T>A. VCF-style: chr1-237830625-T-A. GRCh37 (hg19) VCF-style: chr1-237993925-T-A.
Other names: short protein forms N4917K.
Identifiers: ClinVar variation 3633852 (VCV003633852.2).

ClinVar aggregate classification (germline): Uncertain significance (1 of 4 stars; one submission).

Conditions:
Catecholaminergic polymorphic ventricular tachycardia 1. Also called: VENTRICULAR TACHYCARDIA, CATECHOLAMINERGIC POLYMORPHIC, 1, WITH OR WITHOUT ATRIAL DYSFUNCTION AND/OR DILATED CARDIOMYOPATHY; RYR2-Related Catecholaminergic Polymorphic Ventricular Tachycardia; VENTRICULAR TACHYCARDIA, STRESS-INDUCED POLYMORPHIC 1. Identifiers: Orphanet 3286, MedGen C1631597, MONDO:0011484, OMIM 604772.

Submission:

Labcorp Genetics (formerly Invitae), Labcorp
Classification: Uncertain significance for Catecholaminergic polymorphic ventricular tachycardia 1. Last evaluated: 2024-11-03. Review status: criteria provided, single submitter. Criteria: Invitae Variant Classification Sherloc (09022015). Collection method: clinical testing. Allele origin: germline.
Comment: This sequence change replaces asparagine, which is neutral and polar, with lysine, which is basic and polar, at codon 4917 of the RYR2 protein (p.Asn4917Lys). This variant is not present in population databases (gnomAD no frequency). This variant has not been reported in the literature in individuals affected with RYR2-related conditions. Invitae Evidence Modeling of protein sequence and biophysical properties (such as structural, functional, and spatial information, amino acid conservation, physicochemical variation, residue mobility, and thermodynamic stability) indicates that this missense variant is expected to disrupt RYR2 protein function with a positive predictive value of 95%. In summary, the available evidence is currently insufficient to determine the role of this variant in disease. Therefore, it has been classified as a Variant of Uncertain Significance.